The following is an entry in ClinVar:

NM_006947.4(SRP72):c.1291C>G (p.Gln431Glu)

Gene: SRP72 (signal recognition particle 72; plus strand). Cytogenetic location: 4q12.
Variant type: single nucleotide variant.
Coding change: c.1291C>G on transcript NM_006947.4 (MANE Select); coding-DNA position 1291, C replaced by G.
Protein change: p.Gln431Glu; replaces glutamine 431 with glutamic acid.
Molecular consequence: missense variant. On other transcripts: non-coding transcript variant (1).
Genome position (GRCh38, 1-based): chr4:56,489,454, C>G. VCF-style: chr4-56489454-C-G. GRCh37 (hg19) VCF-style: chr4-57355620-C-G.
Other names: c.1108C>G, p.Gln370Glu (NM_001267722.2); c.1291C>G (NM_006947.3); short protein forms Q370E, Q431E.
Identifiers: ClinVar variation 2083108 (VCV002083108.5), dbSNP rs749467859, ClinGen allele CA2931320.
Genomic context (GRCh38, chr4:56,489,454, plus strand): 5'-GCATTAGTTACCATGTATAGCCATGAAGAAGATATTGATAGTGCCATTGAGGTCTTCACA[C>G]AAGCTATCCAGTGGTATCAAAACCATCAGGTAAATAAATGGAGTAAAATGTTATGAGAGC-3'
Protein context (NP_008878.3, residues 421-441): DIDSAIEVFT[Gln431Glu]AIQWYQNHQP

ClinVar aggregate classification (germline): Uncertain significance. Review status: criteria provided, multiple submitters, no conflicts (2 of 4 stars). 2 submissions from 2 submitters: Uncertain significance (2). Last evaluated 2025-06-19.

Allele frequency attached by ClinVar (database versions not stated): gnomAD exomes below 0.00001; ExAC 0.00001; gnomAD 0.00001; TOPMed 0.00001.
gnomAD v4.1: 5 of 1,598,714 alleles (0.00031%); highest among the groups gnomAD compares: Admixed American, 0.0084%; no homozygotes.

Submissions (2):

Ambry Genetics
Classification: Uncertain significance. Last evaluated: 2025-06-19. Review status: criteria provided, single submitter. Criteria: Ambry Variant Classification Scheme 2023. Collection method: clinical testing. Allele origin: germline.
Comment: The p.Q431E variant (also known as c.1291C>G), located in coding exon 13 of the SRP72 gene, results from a C to G substitution at nucleotide position 1291. The glutamine at codon 431 is replaced by glutamic acid, an amino acid with highly similar properties. This amino acid position is conserved. In addition, this alteration is predicted to be tolerated by in silico analysis. Based on the available evidence, the clinical significance of this variant remains unclear.

Labcorp Genetics (formerly Invitae), Labcorp
Classification: Uncertain significance. Last evaluated: 2023-06-03. Review status: criteria provided, single submitter. Criteria: Invitae Variant Classification Sherloc (09022015). Collection method: clinical testing. Allele origin: germline.
Comment: This sequence change replaces glutamine, which is neutral and polar, with glutamic acid, which is acidic and polar, at codon 431 of the SRP72 protein (p.Gln431Glu). This variant is present in population databases (rs749467859, gnomAD 0.01%). In summary, the available evidence is currently insufficient to determine the role of this variant in disease. Therefore, it has been classified as a Variant of Uncertain Significance. This variant has not been reported in the literature in individuals affected with SRP72-related conditions. ClinVar contains an entry for this variant (Variation ID: 2083108). Advanced modeling of protein sequence and biophysical properties (such as structural, functional, and spatial information, amino acid conservation, physicochemical variation, residue mobility, and thermodynamic stability) performed at Invitae indicates that this missense variant is not expected to disrupt SRP72 protein function.